The following is an entry in ClinVar:

NM_172240.3(POC1B):c.1243G>A (p.Asp415Asn)

Genes: POC1B (POC1 centriolar protein B; minus strand), POC1B-DUSP6 (POC1B-DUSP6 readthrough; minus strand). Cytogenetic location: 12q21.33.
Variant type: single nucleotide variant.
Coding change: c.1243G>A on transcript NM_172240.3 (MANE Select); coding-DNA position 1243, G replaced by A.
Protein change: p.Asp415Asn; replaces aspartic acid 415 with asparagine.
Molecular consequence: missense variant. On other transcripts: non-coding transcript variant (2).
Genome position (GRCh38, 1-based): chr12:89,425,250, C>T on the plus strand (G>A on the coding strand, the complement: POC1B is on the minus strand). VCF-style: chr12-89425250-C-T. GRCh37 (hg19) VCF-style: chr12-89819027-C-T.
Other names: c.1117G>A, p.Asp373Asn (NM_001199777.2); short protein forms D415N, D373N.
Identifiers: ClinVar variation 2054757 (VCV002054757.4), dbSNP rs2540364676, ClinGen allele CA385985489.
Genomic context (GRCh38, chr12:89,425,250, plus strand): 5'-TATGCTCTAAAGCATCAGTCACAGCGAGAGGTATGCTCCTTTGACTTTCACAGGGGAGGT[C>T]ACTCATGTCTTCTGTTTTCTTTTTCGTGGTTGTTGGCAAACATTCTGGTGACATTAAGGA-3'
Protein context (NP_758440.1, residues 405-425): TTKKKTEDMS[Asp415Asn]LPCESQRSIP

ClinVar aggregate classification (germline): Uncertain significance (1 of 4 stars; one submission).

Submission:

Labcorp Genetics (formerly Invitae), Labcorp
Classification: Uncertain significance. Last evaluated: 2024-02-24. Review status: criteria provided, single submitter. Criteria: Invitae Variant Classification Sherloc (09022015). Collection method: clinical testing. Allele origin: germline.
Comment: This sequence change replaces aspartic acid, which is acidic and polar, with asparagine, which is neutral and polar, at codon 415 of the POC1B protein (p.Asp415Asn). This variant is not present in population databases (gnomAD no frequency). This variant has not been reported in the literature in individuals affected with POC1B-related conditions. ClinVar contains an entry for this variant (Variation ID: 2054757). Advanced modeling of protein sequence and biophysical properties (such as structural, functional, and spatial information, amino acid conservation, physicochemical variation, residue mobility, and thermodynamic stability) performed at Invitae indicates that this missense variant is not expected to disrupt POC1B protein function with a negative predictive value of 80%. In summary, the available evidence is currently insufficient to determine the role of this variant in disease. Therefore, it has been classified as a Variant of Uncertain Significance.